The following is an entry in ClinVar:

ClinVar aggregate classification (germline): Benign (3 of 4 stars; one submission).

Conditions:
Breast-ovarian cancer, familial, susceptibility to, 2 (BROVCA2). Also called: BRCA2 Hereditary Breast and Ovarian Cancer. Identifiers: Orphanet 145, MedGen C2675520, MONDO:0012933, OMIM 612555. Disease mechanism: loss of function.

Submission:

Evidence-based Network for the Interpretation of Germline Mutant Alleles (ENIGMA)
Classification: Benign for Breast-ovarian cancer, familial 2. Last evaluated: 2015-01-12. Review status: reviewed by expert panel. Criteria: ENIGMA BRCA1/2 Classification Criteria (2015). Collection method: curation. Allele origin: germline.
Comment: Class 1 not pathogenic based on frequency >1% in an outbred sampleset. Frequency 0.02 (Asian), 0.02 (European), derived from 1000 genomes (2012-04-30).

NM_000059.4(BRCA2):c.631+679_631+680insC

Gene: BRCA2 (BRCA2 DNA repair associated; plus strand). Cytogenetic location: 13q13.1.
Variant type: Insertion.
Coding change: c.631+679_631+680insC on transcript NM_000059.4 (MANE Select); bases 679 to 680 of the intron after coding-DNA position 631, C inserted.
Molecular consequence: intron variant.
Genome position: GRCh38 VCF-style: chr13-32327292-A-AC. GRCh37 (hg19) VCF-style: chr13-32901429-A-AC.
Other names: IVS 7+679insC.
Identifiers: ClinVar variation 209654 (VCV000209654.1), dbSNP rs199954794, ClinGen allele CA276623.